The following is an entry in ClinVar:

NM_001129.5(AEBP1):c.2795A>G (p.His932Arg)

Gene: AEBP1 (AE binding protein 1; plus strand). Cytogenetic location: 7p13.
Variant type: single nucleotide variant.
Coding change: c.2795A>G on transcript NM_001129.5 (MANE Select); coding-DNA position 2795, A replaced by G.
Protein change: p.His932Arg; replaces histidine 932 with arginine.
Molecular consequence: missense variant.
Genome position (GRCh38, 1-based): chr7:44,113,337, A>G. VCF-style: chr7-44113337-A-G. GRCh37 (hg19) VCF-style: chr7-44152936-A-G.
Other names: short protein forms H932R.
Identifiers: ClinVar variation 4526140 (VCV004526140.1).

ClinVar aggregate classification (germline): Uncertain significance (1 of 4 stars; one submission).

Submission:

Women's Health and Genetics/Laboratory Corporation of America, LabCorp
Classification: Uncertain significance. Last evaluated: 2025-07-29. Review status: criteria provided, single submitter. Criteria: LabCorp Variant Classification Summary - May 2015. Collection method: clinical testing. Allele origin: germline.
Comment: Variant summary: AEBP1 c.2795A>G (p.His932Arg) results in a non-conservative amino acid change in the encoded protein sequence. Algorithms developed to predict the effect of missense changes on protein structure and function are either unavailable or do not agree on the potential impact of this missense change. The variant was absent in 245650 control chromosomes. The available data on variant occurrences in the general population are insufficient to allow any conclusion about variant significance. To our knowledge, no occurrence of c.2795A>G in individuals affected with Ehlers-Danlos syndrome, classic-like, 2 and no experimental evidence demonstrating its impact on protein function have been reported. No submitters have cited clinical-significance assessments for this variant to ClinVar. Based on the evidence outlined above, the variant was classified as uncertain significance.